The following is an entry in ClinVar:

NM_198525.3(KIF7):c.3037_3039del (p.Glu1013del)

Gene: KIF7 (kinesin family member 7; minus strand). Cytogenetic location: 15q26.1.
Variant type: Deletion.
Coding change: c.3037_3039del on transcript NM_198525.3 (MANE Select); coding-DNA positions 3037 to 3039, 3 bases deleted (GAG; older notation c.3037_3039delGAG).
Protein change: p.Glu1013del; deletes glutamic acid 1013.
Molecular consequence: inframe deletion.
Genome position (GRCh38, 1-based): chr15:89,631,567-89,631,569, CTC deleted on the plus strand (GAG on the coding strand, the reverse complement: KIF7 is on the minus strand); deleting any 3 consecutive bases within chr15:89,631,567-89,631,571 gives the same sequence; the c. name uses the placement nearest the transcript's 3' end. VCF-style (leftmost placement, unchanged base first): chr15-89631566-TCTC-T. GRCh37 (hg19) VCF-style: chr15-90174797-TCTC-T.
Other names: short protein forms E1013del.
Identifiers: ClinVar variation 975725 (VCV000975725.3), dbSNP rs1567058573, ClinGen allele CA619858258.

ClinVar aggregate classification (germline): Uncertain significance. Review status: criteria provided, single submitter (1 of 4 stars). 2 submissions from 2 submitters: Uncertain significance (1). 1 of the submissions does not count toward it. Last evaluated 2024-07-01.

Conditions:
Acrocallosal syndrome (ACLS). Also called: Schinzel syndrome 1; Absence of corpus callosum with unusual facial appearance, mental deficiency, duplication of the halluces and polydactyly; HALLUX DUPLICATION, POSTAXIAL POLYDACTYLY, AND ABSENCE OF CORPUS CALLOSUM. Identifiers: Orphanet 36, MedGen C0796147, MONDO:0008708, OMIM 200990.
Intellectual disability. Also called: intellectual disabilities; Intellectual developmental disorder; Intellectual functioning disability. Identifiers: MedGen C3714756, MeSH D008607, MONDO:0001071, HP:0001249.

Submissions (2):

Labcorp Genetics (formerly Invitae), Labcorp
Classification: Uncertain significance for Acrocallosal syndrome. Last evaluated: 2024-07-01. Review status: criteria provided, single submitter. Criteria: Invitae Variant Classification Sherloc (09022015). Collection method: clinical testing. Allele origin: germline.
Comment: This variant, c.3037_3039del, results in the deletion of 1 amino acid(s) of the KIF7 protein (p.Glu1013del), but otherwise preserves the integrity of the reading frame. This variant is present in population databases (no rsID available, gnomAD 0.007%). This variant has not been reported in the literature in individuals affected with KIF7-related conditions. ClinVar contains an entry for this variant (Variation ID: 975725). In summary, the available evidence is currently insufficient to determine the role of this variant in disease. Therefore, it has been classified as a Variant of Uncertain Significance.

Centre de Biologie Pathologie Génétique, Centre Hospitalier Universitaire de Lille
Classification: Likely benign for Intellectual disability. Last evaluated: 2019-01-01. Review status: no assertion criteria provided. Collection method: clinical testing. Allele origin: inherited. Affected: yes. Not counted in ClinVar's aggregate classification.